The following is an entry in ClinVar:

NM_014797.3(ZBTB24):c.2050C>T (p.His684Tyr)

Genes: MICAL1 (microtubule associated monooxygenase, calponin and LIM domain containing 1; minus strand), ZBTB24 (zinc finger and BTB domain containing 24; minus strand). Cytogenetic location: 6q21.
Variant type: single nucleotide variant.
Coding change: c.2050C>T on transcript NM_014797.3 (MANE Select); coding-DNA position 2050, C replaced by T.
Protein change: p.His684Tyr; replaces histidine 684 with tyrosine.
Molecular consequence: missense variant. On other transcripts: 5 prime UTR variant (1).
Genome position (GRCh38, 1-based): chr6:109,465,895, G>A on the plus strand (C>T on the coding strand, the complement: ZBTB24 is on the minus strand). VCF-style: chr6-109465895-G-A. GRCh37 (hg19) VCF-style: chr6-109787098-G-A.
Other names: c.-218C>T (NM_001286613.2); short protein forms H684Y.
Identifiers: ClinVar variation 963551 (VCV000963551.8), dbSNP rs200378080, ClinGen allele CA3953967.

ClinVar aggregate classification (germline): Uncertain significance. Review status: criteria provided, multiple submitters, no conflicts (2 of 4 stars). 3 submissions from 3 submitters: Uncertain significance (3). Last evaluated 2025-11-20.

Conditions:
Immunodeficiency-centromeric instability-facial anomalies syndrome 2 (ICF2). Identifiers: Orphanet 2268, MedGen C3279748, MONDO:0013553, OMIM 614069.
Inborn genetic diseases. Identifiers: MedGen C0950123, MeSH D030342.

Allele frequency attached by ClinVar (database versions not stated): gnomAD exomes 0.00001; 1000 Genomes Project 30x 0.00031; 1000 Genomes Project 0.00040; ExAC 0.00001; gnomAD 0.00004 and 0.00005; TOPMed 0.00011.
gnomAD v4.1: 15 of 1,614,210 alleles (0.00093%); highest among the groups gnomAD compares: African/African-American, 0.019%; no homozygotes.

Submissions (3):

Ambry Genetics
Classification: Uncertain significance for Inborn genetic diseases. Last evaluated: 2025-11-20. Review status: criteria provided, single submitter. Criteria: Ambry Variant Classification Scheme 2023. Collection method: clinical testing. Allele origin: germline.

GeneDx
Classification: Uncertain significance. Last evaluated: 2023-11-02. Review status: criteria provided, single submitter. Criteria: GeneDx Variant Classification Process June 2021. Collection method: clinical testing. Allele origin: germline. Affected: yes.
Comment: In silico analysis supports that this missense variant does not alter protein structure/function; Has not been previously published as pathogenic or benign to our knowledge

Labcorp Genetics (formerly Invitae), Labcorp
Classification: Uncertain significance for Immunodeficiency-centromeric instability-facial anomalies syndrome 2. Last evaluated: 2022-07-19. Review status: criteria provided, single submitter. Criteria: Invitae Variant Classification Sherloc (09022015). Collection method: clinical testing. Allele origin: germline.
Comment: This sequence change replaces histidine, which is basic and polar, with tyrosine, which is neutral and polar, at codon 684 of the ZBTB24 protein (p.His684Tyr). The frequency data for this variant in the population databases is considered unreliable, as metrics indicate poor data quality at this position in the gnomAD database. This variant has not been reported in the literature in individuals affected with ZBTB24-related conditions. ClinVar contains an entry for this variant (Variation ID: 963551). Algorithms developed to predict the effect of missense changes on protein structure and function are either unavailable or do not agree on the potential impact of this missense change (SIFT: "Not Available"; PolyPhen-2: "Benign"; Align-GVGD: "Not Available"). In summary, the available evidence is currently insufficient to determine the role of this variant in disease. Therefore, it has been classified as a Variant of Uncertain Significance.